The following is an entry in ClinVar:

ClinVar aggregate classification (germline): Uncertain significance (1 of 4 stars; one submission).

Submission:

GeneDx
Classification: Uncertain significance. Last evaluated: 2023-02-23. Review status: criteria provided, single submitter. Criteria: GeneDx Variant Classification Process June 2021. Collection method: clinical testing. Allele origin: germline. Affected: yes.
Comment: Not observed at significant frequency in large population cohorts (gnomAD); Intronic +5 splice site variant in a gene for which loss of function is a known mechanism of disease, and both splice predictors and evolutionary conservation support a deleterious effect, although in the absence of functional evidence the actual effect of this sequence change is unknown.; Has not been previously published as pathogenic or benign to our knowledge

NM_020751.3(COG6):c.1746+5G>A

Gene: COG6 (component of oligomeric golgi complex 6; plus strand). Cytogenetic location: 13q14.11.
Variant type: single nucleotide variant.
Coding change: c.1746+5G>A on transcript NM_020751.3 (MANE Select); 5 bases into the intron after coding-DNA position 1746, G replaced by A.
Molecular consequence: intron variant.
Genome position (GRCh38, 1-based): chr13:39,724,566, G>A. VCF-style: chr13-39724566-G-A. GRCh37 (hg19) VCF-style: chr13-40298703-G-A.
Other names: c.1746+5G>A (NM_001145079.2).
Identifiers: ClinVar variation 2577633 (VCV002577633.1), dbSNP rs2500687384, ClinGen allele CA2580617478.